The following is an entry in ClinVar:

NM_018297.4(NGLY1):c.1625G>T (p.Arg542Leu)

Gene: NGLY1 (N-glycanase 1; minus strand). Cytogenetic location: 3p24.2.
Variant type: single nucleotide variant.
Coding change: c.1625G>T on transcript NM_018297.4 (MANE Select); coding-DNA position 1625, G replaced by T.
Protein change: p.Arg542Leu; replaces arginine 542 with leucine.
Molecular consequence: missense variant. On other transcripts: intron variant (1).
Genome position (GRCh38, 1-based): chr3:25,720,178, C>A on the plus strand (G>T on the coding strand, the complement: NGLY1 is on the minus strand). VCF-style: chr3-25720178-C-A. GRCh37 (hg19) VCF-style: chr3-25761669-C-A.
Other names: c.1571G>T, p.Arg524Leu (NM_001145293.2); c.1499G>T, p.Arg500Leu (NM_001145294.2); c.1612-543G>T (NM_001145295.2); short protein forms R500L, R524L, R542L.
Identifiers: ClinVar variation 1484380 (VCV001484380.8), dbSNP rs761945483, ClinGen allele CA351894462.

ClinVar aggregate classification (germline): Uncertain significance (1 of 4 stars; one submission).

Conditions:
Congenital disorder of deglycosylation (CDDG). Identifiers: MedGen C3808991, MONDO:0031376.

Submission:

Labcorp Genetics (formerly Invitae), Labcorp
Classification: Uncertain significance for Congenital disorder of deglycosylation. Last evaluated: 2022-10-25. Review status: criteria provided, single submitter. Criteria: Invitae Variant Classification Sherloc (09022015). Collection method: clinical testing. Allele origin: germline.
Comment: This sequence change replaces arginine, which is basic and polar, with leucine, which is neutral and non-polar, at codon 542 of the NGLY1 protein (p.Arg542Leu). This variant is not present in population databases (gnomAD no frequency). This variant has not been reported in the literature in individuals affected with NGLY1-related conditions. ClinVar contains an entry for this variant (Variation ID: 1484380). Advanced modeling of protein sequence and biophysical properties (such as structural, functional, and spatial information, amino acid conservation, physicochemical variation, residue mobility, and thermodynamic stability) performed at Invitae indicates that this missense variant is expected to disrupt NGLY1 protein function. In summary, the available evidence is currently insufficient to determine the role of this variant in disease. Therefore, it has been classified as a Variant of Uncertain Significance.